The following is an entry in ClinVar:

ClinVar aggregate classification (germline): Pathogenic (1 of 4 stars; one submission).

Conditions:
Kleefstra syndrome 1 (KLEFS1). Identifiers: Orphanet 261494, MedGen C0795833, MONDO:0027407, OMIM 610253.

Submission:

Variantyx, Inc.
Classification: Pathogenic for Kleefstra syndrome 1. Last evaluated: 2025-04-22. Review status: criteria provided, single submitter. Criteria: Variantyx Assertion Criteria 2022. Collection method: clinical testing. Allele origin: germline. Inheritance: Autosomal recessive inheritance. Affected: yes.
Comment: This is a nonsense variant in the EHMT1 gene (OMIM: 607001). Pathogenic variants in this gene have been associated with autosomal dominant Kleefstra syndrome 1. This variant introduces a premature termination codon in exon 3 out of 27 and is expected to result in loss of function, which is a known disease mechanism for EHMT1 in this disorder (PMID: 16826528, 19264732) (PVS1). This variant is absent from control populations (PM2) and has not been reported in individuals with EHMT1-related disorders in the databases available for review. Based on the current evidence, this variant is classified as pathogenic for autosomal dominant Kleefstra syndrome 1.

Literature cited by the submitters: PubMed 16826528; PubMed 19264732.

NM_024757.5(EHMT1):c.244C>T (p.Gln82Ter)

Gene: EHMT1 (euchromatic histone lysine methyltransferase 1; plus strand). Cytogenetic location: 9q34.3.
Variant type: single nucleotide variant.
Coding change: c.244C>T on transcript NM_024757.5 (MANE Select); coding-DNA position 244, C replaced by T.
Protein change: p.Gln82Ter; replaces glutamine 82 with a stop codon.
Molecular consequence: nonsense.
Genome position (GRCh38, 1-based): chr9:137,716,784, C>T. VCF-style: chr9-137716784-C-T. GRCh37 (hg19) VCF-style: chr9-140611236-C-T.
Other names: c.244C>T, p.Gln82Ter (NM_001145527.2, NM_001354263.2, NM_001354611.2); c.151C>T, p.Gln51Ter (NM_001354259.2, NM_001354612.2); short protein forms Q51*, Q82*.
Identifiers: ClinVar variation 4813713 (VCV004813713.1).